The following is an entry in ClinVar:

NM_001367624.2(ZNF469):c.4276G>C (p.Glu1426Gln)

Gene: ZNF469 (zinc finger protein 469; plus strand). Cytogenetic location: 16q24.2.
Variant type: single nucleotide variant.
Coding change: c.4276G>C on transcript NM_001367624.2 (MANE Select); coding-DNA position 4276, G replaced by C.
Protein change: p.Glu1426Gln; replaces glutamic acid 1426 with glutamine.
Molecular consequence: missense variant.
Genome position (GRCh38, 1-based): chr16:88,431,746, G>C. VCF-style: chr16-88431746-G-C. GRCh37 (hg19) VCF-style: chr16-88498154-G-C.
Other names: NM_001127464.1:c.4192G>C; short protein forms E1426Q.
Identifiers: ClinVar variation 1738581 (VCV001738581.2), dbSNP rs868174994, ClinGen allele CA397090769.

ClinVar aggregate classification (germline): Uncertain significance (1 of 4 stars; one submission).

Conditions:
Cardiovascular phenotype. Identifiers: MedGen CN230736.

Submission:

Ambry Genetics
Classification: Uncertain significance for Cardiovascular phenotype. Last evaluated: 2022-08-24. Review status: criteria provided, single submitter. Criteria: Ambry Variant Classification Scheme 2023. Collection method: clinical testing. Allele origin: germline.
Comment: The p.E1398Q variant (also known as c.4192G>C), located in coding exon 2 of the ZNF469 gene, results from a G to C substitution at nucleotide position 4192. The glutamic acid at codon 1398 is replaced by glutamine, an amino acid with highly similar properties. This amino acid position is conserved. In addition, this alteration is predicted to be tolerated by in silico analysis. Since supporting evidence is limited at this time, the clinical significance of this alteration remains unclear.